The following is an entry in ClinVar:

NM_172351.3(CD46):c.295T>C (p.Cys99Arg)

Gene: CD46 (CD46 molecule; plus strand). Cytogenetic location: 1q32.2.
Variant type: single nucleotide variant.
Coding change: c.295T>C on transcript NM_172351.3 (MANE Select); coding-DNA position 295, T replaced by C.
Protein change: p.Cys99Arg; replaces cysteine 99 with arginine.
Molecular consequence: missense variant.
Genome position (GRCh38, 1-based): chr1:207,757,548, T>C. VCF-style: chr1-207757548-T-C. GRCh37 (hg19) VCF-style: chr1-207930893-T-C.
Other names: c.295T>C, p.Cys99Arg (NM_002389.4, NM_153826.4, NM_172350.3 and 8 more transcripts); short protein forms C99R.
Identifiers: ClinVar variation 4291255 (VCV004291255.1).

ClinVar aggregate classification (germline): Likely pathogenic, low penetrance (1 of 4 stars; one submission).

Conditions:
Atypical hemolytic-uremic syndrome. Identifiers: Orphanet 2134, MedGen C2931788, MONDO:0016244.

gnomAD v4.1: 1 of 1,597,626 alleles (0.000063%); highest among the groups gnomAD compares: Non-Finnish European, 0.000086%; no homozygotes.

Submission:

Genomenon, Inc
Classification: Likely pathogenic, low penetrance for Atypical hemolytic-uremic syndrome. Last evaluated: 2025-10-02. Review status: criteria provided, single submitter. Criteria: Genomenon Sequence Variant Interpretation Standards. Collection method: curation. Allele origin: germline. Affected: yes.
Comment: CD46 p.Cys99Arg (c.295T>C) is a missense variant that changes the amino acid at residue 99 from Cysteine to Arginine. This variant has been observed in at least one proband affected with atypical hemolytic-uremic syndrome (PMID:16621965). At least one functional study has demonstrated a substantial alteration in protein function relative to the wild-type (PMID:16621965). It is absent or not present at a significant frequency in gnomAD. In silico models agree that this variant is possibly or probably damaging. In conclusion, we classify CD46 p.Cys99Arg (c.295T>C) as a likely pathogenic variant.

Literature cited by the submitters: PubMed 16621965.